The following is an entry in ClinVar:

NM_021098.3(CACNA1H):c.4898C>G (p.Thr1633Ser)

Gene: CACNA1H (calcium voltage-gated channel subunit alpha1 H; plus strand). Cytogenetic location: 16p13.3.
Variant type: single nucleotide variant.
Coding change: c.4898C>G on transcript NM_021098.3 (MANE Select); coding-DNA position 4898, C replaced by G.
Protein change: p.Thr1633Ser; replaces threonine 1633 with serine.
Molecular consequence: missense variant.
Genome position (GRCh38, 1-based): chr16:1,213,900, C>G. VCF-style: chr16-1213900-C-G. GRCh37 (hg19) VCF-style: chr16-1263900-C-G.
Other names: c.4880C>G, p.Thr1627Ser (NM_001005407.2); short protein forms T1627S, T1633S.
Identifiers: ClinVar variation 1468928 (VCV001468928.6), dbSNP rs1381765830, ClinGen allele CA394145594.

ClinVar aggregate classification (germline): Uncertain significance (1 of 4 stars; one submission).

Conditions:
Hyperaldosteronism, familial, type IV (HALD4). Also called: FH IV; ALDOSTERONISM, PRIMARY, AND HYPERTENSION. Identifiers: Orphanet 642671, MedGen C4310756, MONDO:0014875, OMIM 617027.
Idiopathic generalized epilepsy. Also called: EIG; Generalised epilepsy. Identifiers: MedGen C0270850, MONDO:0005579, OMIM 600669.

Allele frequency attached by ClinVar (database versions not stated): TOPMed below 0.00001; gnomAD 0.00002 and 0.00001.
gnomAD v4.1: 4 of 1,611,736 alleles (0.00025%); highest among the groups gnomAD compares: African/African-American, 0.004%; no homozygotes.

Submission:

Labcorp Genetics (formerly Invitae), Labcorp
Classification: Uncertain significance for Idiopathic generalized epilepsy; Hyperaldosteronism, familial, type IV. Last evaluated: 2025-06-22. Review status: criteria provided, single submitter. Criteria: Invitae Variant Classification Sherloc (09022015). Collection method: clinical testing. Allele origin: germline.
Comment: This sequence change replaces threonine, which is neutral and polar, with serine, which is neutral and polar, at codon 1633 of the CACNA1H protein (p.Thr1633Ser). This variant is not present in population databases (gnomAD no frequency). This variant has not been reported in the literature in individuals affected with CACNA1H-related conditions. ClinVar contains an entry for this variant (Variation ID: 1468928). Invitae Evidence Modeling of protein sequence and biophysical properties (such as structural, functional, and spatial information, amino acid conservation, physicochemical variation, residue mobility, and thermodynamic stability) indicates that this missense variant is not expected to disrupt CACNA1H protein function with a negative predictive value of 80%. In summary, the available evidence is currently insufficient to determine the role of this variant in disease. Therefore, it has been classified as a Variant of Uncertain Significance.